The following is an entry in ClinVar:

ClinVar aggregate classification (germline): Benign. Review status: criteria provided, multiple submitters, no conflicts (2 of 4 stars). 2 submissions from 2 submitters: Benign (2). Last evaluated 2026-01-19.

Conditions:
Early-infantile DEE. Also called: Early infantile epileptic encephalopathy with suppression bursts; Ohtahara syndrome; Early infantile epileptic encephalopathy. Identifiers: Orphanet 1934, MedGen C0393706, MONDO:0800491.

Allele frequency attached by ClinVar (database versions not stated): ExAC 0.00046; 1000 Genomes Project 30x 0.00094; 1000 Genomes Project 0.00100.
gnomAD v4.1: 208 of 1,609,216 alleles (0.013%); highest among the groups gnomAD compares: South Asian, 0.22%; no homozygotes.

Submissions (2):

Labcorp Genetics (formerly Invitae), Labcorp
Classification: Benign for Early-infantile DEE. Last evaluated: 2026-01-19. Review status: criteria provided, single submitter. Criteria: Invitae Variant Classification Sherloc (09022015). Collection method: clinical testing. Allele origin: germline.

GeneDx
Classification: Benign. Last evaluated: 2017-01-12. Review status: criteria provided, single submitter. Criteria: GeneDx Variant Classification (06012015). Collection method: clinical testing. Allele origin: germline. Affected: yes.
Comment: This variant is considered likely benign or benign based on one or more of the following criteria: it is a conservative change, it occurs at a poorly conserved position in the protein, it is predicted to be benign by multiple in silico algorithms, and/or has population frequency not consistent with disease.

NM_001130438.3(SPTAN1):c.4047-14G>T

Gene: SPTAN1 (spectrin alpha, non-erythrocytic 1; plus strand). Cytogenetic location: 9q34.11.
Variant type: single nucleotide variant.
Coding change: c.4047-14G>T on transcript NM_001130438.3 (MANE Select); 14 bases into the intron before coding-DNA position 4047, G replaced by T.
Molecular consequence: intron variant.
Genome position (GRCh38, 1-based): chr9:128,607,590, G>T. VCF-style: chr9-128607590-G-T. GRCh37 (hg19) VCF-style: chr9-131369869-G-T.
Other names: c.4047-14G>T (NM_001363759.2, NM_003127.4); c.3987-14G>T (NM_001363765.2, NM_001195532.2).
Identifiers: ClinVar variation 365167 (VCV000365167.10), dbSNP rs558154123, ClinGen allele CA5265108.